The following is an entry in ClinVar:

NM_001267550.2(TTN):c.54105G>T (p.Ala18035=)

Genes: TTN (titin; minus strand), TTN-AS1 (TTN antisense RNA 1; plus strand). Cytogenetic location: 2q31.2.
Variant type: single nucleotide variant.
Coding change: c.54105G>T on transcript NM_001267550.2 (MANE Select); coding-DNA position 54105, G replaced by T.
Protein change: p.Ala18035=; no amino-acid change (alanine 18035 retained).
Molecular consequence: synonymous variant. On other transcripts: non-coding transcript variant (1).
Genome position (GRCh38, 1-based): chr2:178,605,072, C>A on the plus strand (G>T on the coding strand, the complement: TTN is on the minus strand). VCF-style: chr2-178605072-C-A. GRCh37 (hg19) VCF-style: chr2-179469799-C-A.
Other names: c.49182G>T, p.Ala16394= (NM_001256850.1); c.26910G>T, p.Ala8970= (NM_003319.4); c.46401G>T, p.Ala15467= (NM_133378.4); c.27285G>T, p.Ala9095= (NM_133432.3); c.27486G>T, p.Ala9162= (NM_133437.4).
Identifiers: ClinVar variation 1794802 (VCV001794802.22), dbSNP rs371155050, ClinGen allele CA430269787.

ClinVar aggregate classification (germline): Likely benign. Review status: criteria provided, multiple submitters, no conflicts (2 of 4 stars). 2 submissions from 2 submitters: Likely benign (2). Last evaluated 2024-04-01.

Conditions:
Cardiovascular phenotype. Identifiers: MedGen CN230736.

Submissions (2):

CeGaT Center for Human Genetics Tuebingen
Classification: Likely benign. Last evaluated: 2024-04-01. Review status: criteria provided, single submitter. Criteria: CeGaT Center For Human Genetics Tuebingen Variant Classification Criteria Version 2. Collection method: clinical testing. Allele origin: germline. Affected: yes. Observed: 2 variant alleles.
Comment: TTN: PM2:Supporting, BP4, BP7

Ambry Genetics
Classification: Likely benign for Cardiovascular phenotype. Last evaluated: 2019-08-05. Review status: criteria provided, single submitter. Criteria: Ambry Variant Classification Scheme 2023. Collection method: clinical testing. Allele origin: germline.